The following is an entry in ClinVar:

NC_000011.9:g.(?_31814966)_(31816356_?)del

Gene: PAX6 (paired box 6; minus strand). Cytogenetic location: 11p13.
Variant type: Deletion.
Identifiers: ClinVar variation 2422794 (VCV002422794.4).

ClinVar aggregate classification (germline): Pathogenic (1 of 4 stars; one submission).

Conditions:
Irido-corneo-trabecular dysgenesis (ASGD5). Also called: ANTERIOR SEGMENT DYSGENESIS 5. Identifiers: Orphanet 708, MedGen C0344559, MONDO:0011414, OMIM 604229, HP:0000659.
Aniridia 1 (AN1). Identifiers: Orphanet 250923, MedGen C0344542, MONDO:0024507, OMIM 106210.

Submission:

Labcorp Genetics (formerly Invitae), Labcorp
Classification: Pathogenic for Aniridia 1; Irido-corneo-trabecular dysgenesis. Last evaluated: 2022-04-10. Review status: criteria provided, single submitter. Criteria: Invitae Variant Classification Sherloc (09022015). Collection method: clinical testing. Allele origin: germline.
Comment: This variant has not been reported in the literature in individuals affected with PAX6-related conditions. For these reasons, this variant has been classified as Pathogenic. This variant is a gross deletion of the genomic region encompassing exon(s) 8-11 of the PAX6 gene. This deletion is out-of-frame, and is expected to create a premature termination codon and result in an absent or disrupted protein product. Loss-of-function variants in PAX6 are known to be pathogenic (PMID: 12634864).

Literature cited by the submitters: PubMed 12634864.